The following is an entry in ClinVar:

ClinVar aggregate classification (germline): Uncertain significance (1 of 4 stars; one submission).

Allele frequency attached by ClinVar (database versions not stated): gnomAD 0.00001; TOPMed 0.00002.
gnomAD v4.1: 3 of 1,420,566 alleles (0.00021%); highest among the groups gnomAD compares: African/African-American, 0.0015%; no homozygotes.

Submission:

CeGaT Center for Human Genetics Tuebingen
Classification: Uncertain significance. Last evaluated: 2022-03-01. Review status: criteria provided, single submitter. Criteria: CeGaT Center For Human Genetics Tuebingen Variant Classification Criteria Version 2. Collection method: clinical testing. Allele origin: germline. Affected: yes. Observed: 1 variant allele.
Comment: CACNA1A: PP2, PP3

NM_001127222.2(CACNA1A):c.7151G>A (p.Arg2384Gln)

Gene: CACNA1A (calcium voltage-gated channel subunit alpha1 A; minus strand). Cytogenetic location: 19p13.13.
Variant type: single nucleotide variant.
Coding change: c.7151G>A on transcript NM_001127222.2 (MANE Select); coding-DNA position 7151, G replaced by A.
Protein change: p.Arg2384Gln; replaces arginine 2384 with glutamine.
Molecular consequence: missense variant. On other transcripts: 3 prime UTR variant (3).
Genome position (GRCh38, 1-based): chr19:13,207,683, C>T on the plus strand (G>A on the coding strand, the complement: CACNA1A is on the minus strand). VCF-style: chr19-13207683-C-T. GRCh37 (hg19) VCF-style: chr19-13318497-C-T.
Other names: c.*363G>A (NM_000068.4, NM_001127221.2, NM_001174080.2); c.7169G>A, p.Arg2390Gln (NM_023035.3); short protein forms R2384Q, R2390Q.
Identifiers: ClinVar variation 2649377 (VCV002649377.24), dbSNP rs1452665386, ClinGen allele CA404328026.
Genomic context (GRCh38, chr19:13,207,683, plus strand): 5'-GGACCCGGGGGCCCCTCGGACACGTGCGGGCCAGATGCCGGCCACCGGGCCCCGCCGTGT[C>T]GACAGGCCCTGGGGGACTCGCTCCGGGCCGGGCCTGGGACCCGCCTCTCCATCCTGGGCG-3'
Protein context (NP_001120694.1, residues 2374-2394): PARSESPRAC[Arg2384Gln]HGGARWPASG